The following is an entry in ClinVar:

NM_198994.3(TGM6):c.42G>A (p.Ser14=)

Gene: TGM6 (transglutaminase 6; plus strand). Cytogenetic location: 20p13.
Variant type: single nucleotide variant.
Coding change: c.42G>A on transcript NM_198994.3 (MANE Select); coding-DNA position 42, G replaced by A.
Protein change: p.Ser14=; no amino-acid change (serine 14 retained).
Molecular consequence: synonymous variant.
Genome position (GRCh38, 1-based): chr20:2,394,486, G>A. VCF-style: chr20-2394486-G-A. GRCh37 (hg19) VCF-style: chr20-2375132-G-A.
Other names: p.Ser14=; c.42G>A, p.Ser14= (NM_001254734.2).
Identifiers: ClinVar variation 337902 (VCV000337902.51), dbSNP rs149394698, ClinGen allele CA9731525.

ClinVar aggregate classification (germline): Benign/Likely benign. Review status: criteria provided, multiple submitters, no conflicts (2 of 4 stars). 8 submissions from 8 submitters: Benign (5); Likely benign (1). 2 of the submissions do not count toward it. Last evaluated 2026-09-01.

Conditions:
Spinocerebellar ataxia type 35. Identifiers: Orphanet 276193, MedGen C3888031, MONDO:0013485, OMIM 613908.

Allele frequency attached by ClinVar (database versions not stated): 1000 Genomes Project 30x 0.00312; 1000 Genomes Project 0.00359; TOPMed 0.00445; ESP Exome Variant Server 0.00477; ExAC 0.00584; gnomAD exomes 0.00664; gnomAD 0.00684 and 0.00719.
gnomAD v4.1: 10,325 of 1,611,560 alleles (0.64%); highest among the groups gnomAD compares: Non-Finnish European, 0.61%; 69 homozygotes.

Submissions (8):

CeGaT Center for Human Genetics Tuebingen
Classification: Likely benign. Last evaluated: 2026-09-01. Review status: criteria provided, single submitter. Criteria: CeGaT Center For Human Genetics Tuebingen Variant Classification Criteria Version 2. Collection method: clinical testing. Allele origin: germline. Affected: yes. Observed: 15 variant alleles.
Comment: TGM6: BP4, BP7, BS2

Labcorp Genetics (formerly Invitae), Labcorp
Classification: Benign. Last evaluated: 2026-01-15. Review status: criteria provided, single submitter. Criteria: Invitae Variant Classification Sherloc (09022015). Collection method: clinical testing. Allele origin: germline.

Mayo Clinic Laboratories, Mayo Clinic
Classification: Benign. Last evaluated: 2024-05-29. Review status: criteria provided, single submitter. Criteria: ACMG Guidelines, 2015. Collection method: clinical testing. Allele origin: germline. Observed: 7 variant alleles.
Comment: BA1, BP4, BP7

Athena Diagnostics
Classification: Benign. Last evaluated: 2024-02-02. Review status: criteria provided, single submitter. Criteria: Athena Diagnostics Criteria. Collection method: clinical testing. Allele origin: unknown.

Illumina Laboratory Services, Illumina
Classification: Benign for Spinocerebellar ataxia type 35. Last evaluated: 2018-01-13. Review status: criteria provided, single submitter. Criteria: ICSL Variant Classification Criteria 13 December 2019. Collection method: clinical testing. Allele origin: germline.
Comment: This variant was observed in the ICSL laboratory as part of a predisposition screen in an ostensibly healthy population. It had not been previously curated by ICSL or reported in the Human Gene Mutation Database (HGMD: prior to June 1st, 2018), and was therefore a candidate for classification through an automated scoring system. Utilizing variant allele frequency, disease prevalence and penetrance estimates, and inheritance mode, an automated score was calculated to assess if this variant is too frequent to cause the disease. Based on the score and internal cut-off values, a variant classified as benign is not then subjected to further curation. The score for this variant resulted in a classification of benign for this disease.

Breakthrough Genomics
Classification: Benign. Review status: criteria provided, single submitter. Criteria: ACMG Guidelines, 2015. Collection method: not provided. Allele origin: germline. Inheritance: Autosomal dominant inheritance. Affected: yes.

Clinical Genetics DNA and cytogenetics Diagnostics Lab, Erasmus MC, Erasmus Medical Center
Classification: Likely benign. Review status: no assertion criteria provided. Collection method: clinical testing. Allele origin: germline. Affected: yes. Study: VKGL Data-share Consensus. Not counted in ClinVar's aggregate classification.

Joint Genome Diagnostic Labs from Nijmegen and Maastricht, Radboudumc and MUMC+
Classification: Benign. Review status: no assertion criteria provided. Collection method: clinical testing. Allele origin: germline. Affected: yes. Study: VKGL Data-share Consensus. Not counted in ClinVar's aggregate classification.

Literature cited by the submitters: PubMed 33378849 (cited by Athena Diagnostics).